The following is an entry in ClinVar:

ClinVar aggregate classification (germline): Uncertain significance (1 of 4 stars; one submission).

Conditions:
PCNT-related disorder. Also called: PCNT-related condition.

gnomAD v4.1: 1 of 1,605,486 alleles (0.000062%); no homozygotes.

Submission:

PreventionGenetics, part of Exact Sciences
Classification: Uncertain significance for PCNT-related condition. Last evaluated: 2026-02-03. Review status: criteria provided, single submitter. Criteria: ACMG Guidelines, 2015. Collection method: clinical testing. Allele origin: germline.
Comment: The PCNT c.4547G>T variant is predicted to result in the amino acid substitution p.Gly1516Val. To our knowledge, this variant has not been reported in the literature or in a large population database (gnomAD), indicating this variant is rare. At this time, the clinical significance of this variant is uncertain due to the absence of conclusive functional and genetic evidence.

NM_006031.6(PCNT):c.4547G>T (p.Gly1516Val)

Gene: PCNT (pericentrin; plus strand). Cytogenetic location: 21q22.3.
Variant type: single nucleotide variant.
Coding change: c.4547G>T on transcript NM_006031.6 (MANE Select); coding-DNA position 4547, G replaced by T.
Protein change: p.Gly1516Val; replaces glycine 1516 with valine.
Molecular consequence: missense variant.
Genome position (GRCh38, 1-based): chr21:46,398,114, G>T. VCF-style: chr21-46398114-G-T. GRCh37 (hg19) VCF-style: chr21-47818028-G-T.
Other names: c.4193G>T, p.Gly1398Val (NM_001315529.2); short protein forms G1398V, G1516V.
Identifiers: ClinVar variation 4986825 (VCV004986825.1).